The following is an entry in ClinVar:

NM_000207.3(INS):c.67G>A (p.Ala23Thr)

Genes: INS-IGF2 (INS-IGF2 readthrough; minus strand), INS (insulin; minus strand). Cytogenetic location: 11p15.5.
Variant type: single nucleotide variant.
Coding change: c.67G>A on transcript NM_000207.3 (MANE Select); coding-DNA position 67, G replaced by A.
Protein change: p.Ala23Thr; replaces alanine 23 with threonine.
Molecular consequence: missense variant. On other transcripts: non-coding transcript variant (1).
Genome position (GRCh38, 1-based): chr11:2,160,905, C>T on the plus strand (G>A on the coding strand, the complement: INS is on the minus strand). VCF-style: chr11-2160905-C-T. GRCh37 (hg19) VCF-style: chr11-2182135-C-T.
Other names: c.67G>A, p.Ala23Thr (NM_001185097.2, NM_001185098.2, NM_001291897.2 and 1 more transcripts); c.67G>A (NM_001042376.2); short protein forms A23T.
Identifiers: ClinVar variation 730224 (VCV000730224.16), dbSNP rs13306444, ClinGen allele CA5818192.
Genomic context (GRCh38, chr11:2,160,905, plus strand): 5'-ACACTAGGTAGAGAGCTTCCACCAGGTGTGAGCCGCACAGGTGTTGGTTCACAAAGGCTG[C>T]GGCTGGGTCAGGTCCCCAGAGGGCCAGCAGCGCCAGCAGGGGCAGGAGGCGCATCCACAG-3'
Protein context (NP_000198.1, residues 13-33): LLALWGPDPA[Ala23Thr]AFVNQHLCGS

ClinVar aggregate classification (germline): Conflicting classifications of pathogenicity. Review status: criteria provided, conflicting classifications (1 of 4 stars). 8 submissions from 7 submitters: Uncertain significance (2); Benign (2); Likely benign (3). 1 of the submissions does not count toward it. Last evaluated 2025-12-23.

Conditions:
Maturity-onset diabetes of the young type 10. Identifiers: Orphanet 552, MedGen C3150617, MONDO:0013240, OMIM 613370.
Diabetes mellitus, permanent neonatal 4. Also called: INS-Related Permanent Neonatal Diabetes Mellitus. Identifiers: MedGen C5394307, MONDO:0030089, OMIM 618858.
Type 1 diabetes mellitus 2. Identifiers: MedGen C1852092, MONDO:0007454, OMIM 125852.
Hyperproinsulinemia. Identifiers: MedGen C0342283, MONDO:0014535, OMIM 616214.
Transient Neonatal Diabetes, Dominant/Recessive.
INS-IGF2-related disorder. Also called: INS-IGF2-related condition.
Diabetes mellitus type 1 (T1D). Also called: Diabetes Mellitus, Juvenile-Onset; Type I diabetes mellitus. Identifiers: MedGen C0011854, MONDO:0005147, OMIM 222100, HP:0100651.

Allele frequency attached by ClinVar (database versions not stated): TOPMed 0.00016; 1000 Genomes Project 30x 0.00125; 1000 Genomes Project 0.00160.
gnomAD v4.1: 936 of 1,612,632 alleles (0.058%); highest among the groups gnomAD compares: East Asian, 2%; 12 homozygotes.

Submissions (8):

Labcorp Genetics (formerly Invitae), Labcorp
Classification: Likely benign. Last evaluated: 2025-12-23. Review status: criteria provided, single submitter. Criteria: Invitae Variant Classification Sherloc (09022015). Collection method: clinical testing. Allele origin: germline.

GeneDx
Classification: Uncertain significance. Last evaluated: 2025-07-31. Review status: criteria provided, single submitter. Criteria: GeneDx Variant Classification Process June 2021. Collection method: clinical testing. Allele origin: germline. Affected: yes.
Comment: Identified in a patient with diabetes mellitus and classified as a variant of uncertain significance in published literature (PMID: Lee2022.2[paper]); Identified in a patient with obesity and diabetes mellitus in published literature (PMID: 37327085); In silico analysis suggests that this missense variant does not alter protein structure/function; This variant is associated with the following publications: (PMID: 11398136, 37327085, Lee2022.2[paper])

Women's Health and Genetics/Laboratory Corporation of America, LabCorp
Classification: Likely benign. Last evaluated: 2023-06-20. Review status: criteria provided, single submitter. Criteria: LabCorp Variant Classification Summary - May 2015. Collection method: clinical testing. Allele origin: germline.

Fulgent Genetics
Classification: Likely benign for Type 1 diabetes mellitus 2; Maturity-onset diabetes of the young type 10; Hyperproinsulinemia; Diabetes mellitus, permanent neonatal 4. Last evaluated: 2021-07-26. Review status: criteria provided, single submitter. Criteria: ACMG Guidelines, 2015. Collection method: clinical testing. Allele origin: unknown.

Illumina Laboratory Services, Illumina
Classification: Benign for Maturity-onset diabetes of the young type 10. Last evaluated: 2017-04-27. Review status: criteria provided, single submitter. Criteria: ICSL Variant Classification Criteria 13 December 2019. Collection method: clinical testing. Allele origin: germline.
Comment: This variant was observed as part of a predisposition screen in an ostensibly healthy population. A literature search was performed for the gene, cDNA change, and amino acid change (where applicable). No publications were found based on this search. Allele frequency data from public databases was too high to be consistent with this variant causing disease. Therefore, this variant is classified as benign.

Illumina Laboratory Services, Illumina
Classification: Benign for Transient Neonatal Diabetes, Dominant/Recessive. Last evaluated: 2017-04-27. Review status: criteria provided, single submitter. Criteria: ICSL Variant Classification Criteria 13 December 2019. Collection method: clinical testing. Allele origin: germline.
Comment: the same text as in the submission from Illumina Laboratory Services, Illumina above.

Clinical Genomics, Uppaluri K&H Personalized Medicine Clinic
Classification: Uncertain significance for Diabetes mellitus type 1. Review status: criteria provided, single submitter. Criteria: K &amp; H Uppaluri Personalized Medicine Clinic Variant Classification &amp; Assertion Criteria_Updated V.1. Collection method: research. Allele origin: unknown. Inheritance: Autosomal dominant inheritance.
Comment: Potent mutations in the INS gene can cause early onset diabetes mellitus which is insulin dependent. May have poor response to sulfonylureas, mutations in this gene can cause beta cell destruction.However, more evidence is required to confer the association of this particular variant A23S/rs13306444 with Type l diabetes mellitus

PreventionGenetics, part of Exact Sciences
Classification: Likely benign for INS-IGF2-related condition. Last evaluated: 2023-03-17. Review status: no assertion criteria provided. Collection method: clinical testing. Allele origin: germline. Not counted in ClinVar's aggregate classification.
Comment: This variant is classified as likely benign based on ACMG/AMP sequence variant interpretation guidelines (Richards et al. 2015 PMID: 25741868, with internal and published modifications).

Literature cited by the submitters: PubMed 20938745 (cited by Clinical Genomics, Uppaluri K&H Personalized Medicine Clinic).